The following is an entry in ClinVar:

NM_014208.3(DSPP):c.1778G>C (p.Ser593Thr)

Genes: DMP1-AS1 (DMP1 and DSPP antisense RNA 1; minus strand), DSPP (dentin sialophosphoprotein; plus strand). Cytogenetic location: 4q22.1.
Variant type: single nucleotide variant.
Coding change: c.1778G>C on transcript NM_014208.3 (MANE Select); coding-DNA position 1778, G replaced by C.
Protein change: p.Ser593Thr; replaces serine 593 with threonine.
Molecular consequence: missense variant.
Genome position (GRCh38, 1-based): chr4:87,614,440, G>C. VCF-style: chr4-87614440-G-C. GRCh37 (hg19) VCF-style: chr4-88535592-G-C.
Other names: short protein forms S593T.
Identifiers: ClinVar variation 2216479 (VCV002216479.5), dbSNP rs202130083, ClinGen allele CA3001154.

ClinVar aggregate classification (germline): Conflicting classifications of pathogenicity. Review status: criteria provided, conflicting classifications (1 of 4 stars). 3 submissions from 3 submitters: Uncertain significance (1); Likely benign (1). 1 of the submissions does not count toward it. Last evaluated 2024-03-15.

Conditions:
Inborn genetic diseases. Identifiers: MedGen C0950123, MeSH D030342.
DSPP-related disorder. Also called: DSPP-related condition.

Allele frequency attached by ClinVar (database versions not stated): gnomAD exomes 0.00011; ExAC 0.00097; gnomAD 0.00139; 1000 Genomes Project 0.00140; 1000 Genomes Project 30x 0.00141; TOPMed 0.00158; ESP Exome Variant Server 0.00168.

Submissions (3):

Blueprint Genetics
Classification: Likely benign. Last evaluated: 2024-03-15. Review status: criteria provided, single submitter. Criteria: ACMG Guidelines, 2015. Collection method: clinical testing. Allele origin: germline.

Ambry Genetics
Classification: Uncertain significance for Inborn genetic diseases. Last evaluated: 2021-10-06. Review status: criteria provided, single submitter. Criteria: Ambry Variant Classification Scheme 2023. Collection method: clinical testing. Allele origin: germline.

PreventionGenetics, part of Exact Sciences
Classification: Benign for DSPP-related condition. Last evaluated: 2019-10-29. Review status: no assertion criteria provided. Collection method: clinical testing. Allele origin: germline. Not counted in ClinVar's aggregate classification.
Comment: This variant is classified as benign based on ACMG/AMP sequence variant interpretation guidelines (Richards et al. 2015 PMID: 25741868, with internal and published modifications).